The following is an entry in ClinVar:

ClinVar aggregate classification (germline): Uncertain significance (1 of 4 stars; one submission).

Submission:

Labcorp Genetics (formerly Invitae), Labcorp
Classification: Uncertain significance. Last evaluated: 2022-05-21. Review status: criteria provided, single submitter. Criteria: Invitae Variant Classification Sherloc (09022015). Collection method: clinical testing. Allele origin: germline.
Comment: This variant has not been reported in the literature in individuals affected with COL11A1-related conditions. Advanced modeling of protein sequence and biophysical properties (such as structural, functional, and spatial information, amino acid conservation, physicochemical variation, residue mobility, and thermodynamic stability) performed at Invitae indicates that this missense variant is expected to disrupt COL11A1 protein function. In summary, the available evidence is currently insufficient to determine the role of this variant in disease. Therefore, it has been classified as a Variant of Uncertain Significance. This sequence change replaces glycine, which is neutral and non-polar, with cysteine, which is neutral and slightly polar, at codon 1393 of the COL11A1 protein (p.Gly1393Cys). This variant is not present in population databases (gnomAD no frequency).

NM_001854.4(COL11A1):c.4177G>T (p.Gly1393Cys)

Gene: COL11A1 (collagen type XI alpha 1 chain; minus strand). Cytogenetic location: 1p21.1.
Variant type: single nucleotide variant.
Coding change: c.4177G>T on transcript NM_001854.4 (MANE Select); coding-DNA position 4177, G replaced by T.
Protein change: p.Gly1393Cys; replaces glycine 1393 with cysteine.
Molecular consequence: missense variant. On other transcripts: non-coding transcript variant (1).
Genome position (GRCh38, 1-based): chr1:102,898,737, C>A on the plus strand (G>T on the coding strand, the complement: COL11A1 is on the minus strand). VCF-style: chr1-102898737-C-A. GRCh37 (hg19) VCF-style: chr1-103364293-C-A.
Other names: c.3829G>T, p.Gly1277Cys (NM_001168249.1, NM_080630.4); c.4060G>T, p.Gly1354Cys (NM_001190709.2); c.4213G>T, p.Gly1405Cys (NM_080629.3); short protein forms G1405C, G1277C, G1354C, G1393C.
Identifiers: ClinVar variation 1997246 (VCV001997246.4), dbSNP rs767950147, ClinGen allele CA341155381.